The following is an entry in ClinVar:

NM_024408.4(NOTCH2):c.1222A>G (p.Lys408Glu)

Gene: NOTCH2 (notch receptor 2; minus strand). Cytogenetic location: 1p12.
Variant type: single nucleotide variant.
Coding change: c.1222A>G on transcript NM_024408.4 (MANE Select); coding-DNA position 1222, A replaced by G.
Protein change: p.Lys408Glu; replaces lysine 408 with glutamic acid.
Molecular consequence: missense variant.
Genome position (GRCh38, 1-based): chr1:119,968,119, T>C on the plus strand (A>G on the coding strand, the complement: NOTCH2 is on the minus strand). VCF-style: chr1-119968119-T-C. GRCh37 (hg19) VCF-style: chr1-120510742-T-C.
Other names: c.1222A>G, p.Lys408Glu (NM_001200001.2); c.1222A>G (NM_024408.3); short protein forms K408E.
Identifiers: ClinVar variation 3341927 (VCV003341927.18).

ClinVar aggregate classification (germline): Uncertain significance. Review status: criteria provided, multiple submitters, no conflicts (2 of 4 stars). 3 submissions from 3 submitters: Uncertain significance (3). Last evaluated 2025-08-22.

Conditions:
Inborn genetic diseases. Identifiers: MedGen C0950123, MeSH D030342.
Alagille syndrome due to a NOTCH2 point mutation. Also called: Alagille syndrome 2. Identifiers: Orphanet 261629, Orphanet 52, MedGen C1857761, MONDO:0012439, OMIM 610205.
Hajdu-Cheney syndrome (HJCYS). Also called: ACROOSTEOLYSIS WITH OSTEOPOROSIS AND CHANGES IN SKULL AND MANDIBLE; Acroosteolysis dominant type; SERPENTINE FIBULA-POLYCYSTIC KIDNEY SYNDROME. Identifiers: Orphanet 955, MedGen C0917715, MONDO:0007057, OMIM 102500.

Submissions (3):

Ambry Genetics
Classification: Uncertain significance for Inborn genetic diseases. Last evaluated: 2025-08-22. Review status: criteria provided, single submitter. Criteria: Ambry Variant Classification Scheme 2023. Collection method: clinical testing. Allele origin: germline.

CeGaT Center for Human Genetics Tuebingen
Classification: Uncertain significance. Last evaluated: 2024-08-01. Review status: criteria provided, single submitter. Criteria: CeGaT Center For Human Genetics Tuebingen Variant Classification Criteria Version 2. Collection method: clinical testing. Allele origin: germline. Affected: yes. Observed: 1 variant allele.
Comment: NOTCH2: PM2

Fulgent Genetics
Classification: Uncertain significance for Hajdu-Cheney syndrome; Alagille syndrome due to a NOTCH2 point mutation. Last evaluated: 2024-05-18. Review status: criteria provided, single submitter. Criteria: ACMG Guidelines, 2015. Collection method: clinical testing. Allele origin: germline.